The following is an entry in ClinVar:

NM_001365536.1(SCN9A):c.67A>C (p.Ile23Leu)

Gene: SCN9A (sodium voltage-gated channel alpha subunit 9; minus strand). Cytogenetic location: 2q24.3.
Variant type: single nucleotide variant.
Coding change: c.67A>C on transcript NM_001365536.1 (MANE Select); coding-DNA position 67, A replaced by C.
Protein change: p.Ile23Leu; replaces isoleucine 23 with leucine.
Molecular consequence: missense variant.
Genome position (GRCh38, 1-based): chr2:166,311,690, T>G on the plus strand (A>C on the coding strand, the complement: SCN9A is on the minus strand). VCF-style: chr2-166311690-T-G. GRCh37 (hg19) VCF-style: chr2-167168200-T-G.
Other names: c.67A>C, p.Ile23Leu (NM_002977.4); short protein forms I23L.
Identifiers: ClinVar variation 1473116 (VCV001473116.8), dbSNP rs2105227146, ClinGen allele CA349096186.

ClinVar aggregate classification (germline): Uncertain significance (1 of 4 stars; one submission).

Conditions:
Generalized epilepsy with febrile seizures plus, type 7 (GEFSP7). Also called: GEFS+, TYPE 7. Identifiers: Orphanet 36387, MedGen C2751778, MONDO:0013470, OMIM 613863.
Neuropathy, hereditary sensory and autonomic, type 2A (HSAN2A). Also called: ACROOSTEOLYSIS, GIACCAI TYPE; ACROOSTEOLYSIS, NEUROGENIC; MORVAN DISEASE; HSAN IIA; NEUROPATHY, CONGENITAL SENSORY; NEUROPATHY, HEREDITARY SENSORY RADICULAR, AUTOSOMAL RECESSIVE. Identifiers: Orphanet 970, MedGen C2752089, MONDO:0024309, OMIM 201300.

gnomAD v4.1: 2 of 1,613,464 alleles (0.00012%); highest among the groups gnomAD compares: Non-Finnish European, 0.00017%; no homozygotes.

Submission:

Labcorp Genetics (formerly Invitae), Labcorp
Classification: Uncertain significance for Neuropathy, hereditary sensory and autonomic, type 2A; Generalized epilepsy with febrile seizures plus, type 7. Last evaluated: 2024-02-25. Review status: criteria provided, single submitter. Criteria: Invitae Variant Classification Sherloc (09022015). Collection method: clinical testing. Allele origin: germline.
Comment: This sequence change replaces isoleucine, which is neutral and non-polar, with leucine, which is neutral and non-polar, at codon 23 of the SCN9A protein (p.Ile23Leu). This variant is not present in population databases (gnomAD no frequency). This variant has not been reported in the literature in individuals affected with SCN9A-related conditions. ClinVar contains an entry for this variant (Variation ID: 1473116). Advanced modeling of protein sequence and biophysical properties (such as structural, functional, and spatial information, amino acid conservation, physicochemical variation, residue mobility, and thermodynamic stability) has been performed at Invitae for this missense variant, however the output from this modeling did not meet the statistical confidence thresholds required to predict the impact of this variant on SCN9A protein function. In summary, the available evidence is currently insufficient to determine the role of this variant in disease. Therefore, it has been classified as a Variant of Uncertain Significance.